The following is an entry in ClinVar:

NM_000492.4(CFTR):c.1117-2A>G

Gene: CFTR (CF transmembrane conductance regulator; plus strand). Cytogenetic location: 7q31.2.
Variant type: single nucleotide variant.
Coding change: c.1117-2A>G on transcript NM_000492.4 (MANE Select); the canonical splice acceptor site of the intron before coding-DNA position 1117, A replaced by G.
Molecular consequence: splice acceptor variant.
Genome position (GRCh38, 1-based): chr7:117,542,014, A>G. VCF-style: chr7-117542014-A-G. GRCh37 (hg19) VCF-style: chr7-117182068-A-G.
Identifiers: ClinVar variation 554034 (VCV000554034.4), dbSNP rs1554381596, ClinGen allele CA368979756.
Genomic context (GRCh38, chr7:117,542,014, plus strand): 5'-TGTAATAATGCATTAATGCTATTCTGATTCTATAATATGTTTTTGCTCTCTTTTATAAAT[A>G]GGATTTCTTACAAAAGCAAGAATATAAGACATTGGAATATAACTTAACGACTACAGAAGT-3'

ClinVar aggregate classification (germline): Pathogenic. Review status: criteria provided, multiple submitters, no conflicts (2 of 4 stars). 3 submissions from 3 submitters: Pathogenic (2). 1 of the submissions does not count toward it. Last evaluated 2025-11-04.

Conditions:
Cystic fibrosis (CF). Also called: MUCOVISCIDOSIS. Identifiers: Orphanet 586, MedGen C0010674, MONDO:0009061, OMIM 219700. Disease mechanism: loss of function.
CFTR-related disorder (CFTR-RD). Also called: CFTR-related disorders; CFTR-related condition. Identifiers: MedGen C5924204, MONDO:7770004.

Submissions (3):

Natera, Inc.
Classification: Pathogenic for CFTR-related disorders. Last evaluated: 2025-11-04. Review status: criteria provided, single submitter. Criteria: Natera Variant Classification Schema (03/2026). Collection method: clinical testing. Allele origin: germline.
Comment: The c.1117-2A>G variant in CFTR is a canonical splice acceptor site variant predicted to affect pre-mRNA splicing, which may result in an abnormal transcript and altered protein product. This variant is expected to result in nonsense mediated decay, truncation, or a dysfunctional protein product. This variant is rare in the general population with a frequency below the threshold expected for the associated phenotype(s). Another variant at this same site results in an alteration predicted to cause a similar molecular effect has been observed in individual(s) with the associated phenotype. Given the available evidence, this variant is classified as Pathogenic.

Women's Health and Genetics/Laboratory Corporation of America, LabCorp
Classification: Pathogenic for Cystic fibrosis. Last evaluated: 2025-05-12. Review status: criteria provided, single submitter. Criteria: LabCorp Variant Classification Summary - May 2015. Collection method: clinical testing. Allele origin: germline.
Comment: Variant summary: CFTR c.1117-2A>G is located in a canonical splice-site and is predicted to affect mRNA splicing resulting in a significantly altered protein due to either exon skipping, shortening, or inclusion of intronic material. Variants that disrupt the consensus splice site are a relatively common cause of aberrant splicing and loss of CFTR function. Several computational tools predict a significant impact on normal splicing: Four predict the variant abolishes a 3' acceptor site. However, these predictions have yet to be confirmed by functional studies. The variant was absent in 249198 control chromosomes. To our knowledge, no occurrence of c.1117-2A>G in individuals affected with Cystic Fibrosis and no experimental evidence demonstrating its impact on protein function have been reported. Another variant affecting the same acceptor splice-site has been classified by our laboratory and others in ClinVar as pathogenic, supporting the critical relevance of this canonical splice-site. ClinVar contains an entry for this variant (Variation ID: 554034). Based on the evidence outlined above, the variant was classified as pathogenic.

Counsyl
Classification: Likely pathogenic for Cystic fibrosis. Last evaluated: 2017-09-25. Review status: no assertion criteria provided. Collection method: clinical testing. Allele origin: unknown. Not counted in ClinVar's aggregate classification.